The following is an entry in ClinVar:

ClinVar aggregate classification (germline): Uncertain significance (1 of 4 stars; one submission).

Conditions:
Alport syndrome. Also called: Hemorrhagic familial nephritis; Hemorrhagic hereditary nephritis; Congenital hereditary hematuria. Identifiers: Orphanet 63, MedGen C1567741, MONDO:0018965.

Submission:

Genetics and Molecular Pathology, SA Pathology
Classification: Uncertain significance for Alport syndrome. Last evaluated: 2021-11-12. Review status: criteria provided, single submitter. Criteria: ACMG Guidelines, 2015. Collection method: clinical testing. Allele origin: germline. Affected: yes.
Comment: The COL4A4 c.930+5G>A variant is classified as a VARIANT OF UNCERTAIN SIGNIFICANCE (PM2, PP3) This variant is a single nucleotide change from a guanine to an adenine at position 930+5 in intron 15 of the COL4A4 gene. Computational splice prediction algorithms suggest that the change may affect splicing at the nearby splice donor site (PP3). The variant has not been reported in dbSNP and is absent from population databases (PM2). The variant has not been reported in the ClinVar or HGMD disease databases.

NM_000092.5(COL4A4):c.930+5G>A

Gene: COL4A4 (collagen type IV alpha 4 chain; minus strand). Cytogenetic location: 2q36.3.
Variant type: single nucleotide variant.
Coding change: c.930+5G>A on transcript NM_000092.5 (MANE Select); 5 bases into the intron after coding-DNA position 930, G replaced by A.
Molecular consequence: intron variant.
Genome position (GRCh38, 1-based): chr2:227,102,784, C>T on the plus strand (G>A on the coding strand, the complement: COL4A4 is on the minus strand). VCF-style: chr2-227102784-C-T. GRCh37 (hg19) VCF-style: chr2-227967500-C-T.
Identifiers: ClinVar variation 2664853 (VCV002664853.1), dbSNP rs2060595591, ClinGen allele CA1332765761.